The following is an entry in ClinVar:

NM_001105247.2(ARMC5):c.1647C>T (p.Tyr549=)

Gene: ARMC5 (armadillo repeat containing 5; plus strand). Cytogenetic location: 16p11.2.
Variant type: single nucleotide variant.
Coding change: c.1647C>T on transcript NM_001105247.2 (MANE Select); coding-DNA position 1647, C replaced by T.
Protein change: p.Tyr549=; no amino-acid change (tyrosine 549 retained).
Molecular consequence: synonymous variant.
Genome position (GRCh38, 1-based): chr16:31,464,670, C>T. VCF-style: chr16-31464670-C-T. GRCh37 (hg19) VCF-style: chr16-31475991-C-T.
Other names: c.1932C>T, p.Tyr644= (NM_001288767.2); c.1743C>T, p.Tyr581= (NM_001301820.1); c.1647C>T, p.Tyr549= (NM_024742.2).
Identifiers: ClinVar variation 3034772 (VCV003034772.2), dbSNP rs761052180, ClinGen allele CA8029744.

ClinVar aggregate classification (germline): Likely benign (0 of 4 stars; one submission).

Conditions:
ARMC5-related disorder. Also called: ARMC5-related condition.

Allele frequency attached by ClinVar (database versions not stated): gnomAD exomes 0.00003; ExAC 0.00004; gnomAD 0.00007; TOPMed 0.00010.
gnomAD v4.1: 48 of 1,598,652 alleles (0.003%); highest among the groups gnomAD compares: African/African-American, 0.024%; no homozygotes.

Submission:

PreventionGenetics, part of Exact Sciences
Classification: Likely benign for ARMC5-related condition. Last evaluated: 2019-10-14. Review status: no assertion criteria provided. Collection method: clinical testing. Allele origin: germline.
Comment: This variant is classified as likely benign based on ACMG/AMP sequence variant interpretation guidelines (Richards et al. 2015 PMID: 25741868, with internal and published modifications).